The following is an entry in ClinVar:

NM_000368.5(TSC1):c.304T>C (p.Ser102Pro)

Gene: TSC1 (TSC complex subunit 1; minus strand). Cytogenetic location: 9q34.13.
Variant type: single nucleotide variant.
Coding change: c.304T>C on transcript NM_000368.5 (MANE Select); coding-DNA position 304, T replaced by C.
Protein change: p.Ser102Pro; replaces serine 102 with proline.
Molecular consequence: missense variant. On other transcripts: 5 prime UTR variant (1), intron variant (1).
Genome position (GRCh38, 1-based): chr9:132,925,646, A>G on the plus strand (T>C on the coding strand, the complement: TSC1 is on the minus strand). VCF-style: chr9-132925646-A-G. GRCh37 (hg19) VCF-style: chr9-135801033-A-G.
Other names: p.S102P:TCT>CCT; c.304T>C, p.Ser102Pro (NM_001162426.2); c.-60T>C (NM_001362177.2); c.210+1555T>C (NM_001162427.2); short protein forms S102P.
Identifiers: ClinVar variation 207625 (VCV000207625.14), dbSNP rs796053453, ClinGen allele CA319275.
Genomic context (GRCh38, chr9:132,925,646, plus strand): 5'-CCTTGAGACATTTTAGTAAAGAAGGCAAAAGAGGTGCTTGAGAGAGCTTATGCTTCCAAG[A>G]TGGCTGCAGTCTTATGACATGACCCAGTAACGAGAGGATGGATAAACGAGTGGCGGCTTT-3'
Protein context (NP_000359.1, residues 92-112): LLGHVIRLQP[Ser102Pro]WKHKLSQAPL

ClinVar aggregate classification (germline): Uncertain significance. Review status: criteria provided, multiple submitters, no conflicts (2 of 4 stars). 4 submissions from 4 submitters: Uncertain significance (4). Last evaluated 2025-12-19.

Conditions:
Hereditary cancer-predisposing syndrome. Also called: Hereditary Cancer Syndrome; Tumor predisposition; Hereditary neoplastic syndrome; Neoplastic Syndromes, Hereditary. Identifiers: Orphanet 140162, MedGen C0027672, MeSH D009386, MONDO:0015356.
Tuberous sclerosis 1 (TSC1). Identifiers: Orphanet 805, MedGen C1854465, MONDO:0008612, OMIM 191100.

Allele frequency attached by ClinVar (database versions not stated): gnomAD exomes below 0.00001; TOPMed 0.00001.
gnomAD v4.1: 2 of 1,614,256 alleles (0.00012%); highest among the groups gnomAD compares: Non-Finnish European, 0.00017%; no homozygotes.

Submissions (4):

Labcorp Genetics (formerly Invitae), Labcorp
Classification: Uncertain significance for Tuberous sclerosis 1. Last evaluated: 2025-12-19. Review status: criteria provided, single submitter. Criteria: Invitae Variant Classification Sherloc (09022015). Collection method: clinical testing. Allele origin: germline.
Comment: This sequence change replaces serine, which is neutral and polar, with proline, which is neutral and non-polar, at codon 102 of the TSC1 protein (p.Ser102Pro). This variant is not present in population databases (gnomAD no frequency). This variant has not been reported in the literature in individuals affected with TSC1-related conditions. ClinVar contains an entry for this variant (Variation ID: 207625). Invitae Evidence Modeling of protein sequence and biophysical properties (such as structural, functional, and spatial information, amino acid conservation, physicochemical variation, residue mobility, and thermodynamic stability) indicates that this missense variant is not expected to disrupt TSC1 protein function with a negative predictive value of 95%. In summary, the available evidence is currently insufficient to determine the role of this variant in disease. Therefore, it has been classified as a Variant of Uncertain Significance.

Ambry Genetics
Classification: Uncertain significance for Hereditary cancer-predisposing syndrome. Last evaluated: 2023-09-23. Review status: criteria provided, single submitter. Criteria: Ambry Variant Classification Scheme 2023. Collection method: clinical testing. Allele origin: germline.
Comment: The p.S102P variant (also known as c.304T>C), located in coding exon 3 of the TSC1 gene, results from a T to C substitution at nucleotide position 304. The serine at codon 102 is replaced by proline, an amino acid with similar properties. This amino acid position is conserved. In addition, this alteration is predicted to be tolerated by in silico analysis. Since supporting evidence is limited at this time, the clinical significance of this alteration remains unclear.

Genome-Nilou Lab
Classification: Uncertain significance for Tuberous sclerosis 1. Last evaluated: 2021-11-07. Review status: criteria provided, single submitter. Criteria: ACMG Guidelines, 2015. Collection method: clinical testing. Allele origin: germline. Affected: no.

GeneDx
Classification: Uncertain significance. Last evaluated: 2014-06-26. Review status: criteria provided, single submitter. Criteria: GeneDx Variant Classification (06012015). Collection method: clinical testing. Allele origin: germline. Affected: yes.
Comment: p.Ser102Pro (TCT>CCT): c.304 T>C in exon 5 of the TSC1 gene (NM_000368.4). The S102P variant has not been published as a mutation, nor has it been reported as a benign polymorphism to our knowledge. It was not observed in approximately 6,500 individuals of European and African American ancestry in the NHLBI Exome Sequencing Project, indicating it is not a common benign variant in these populations. The S102P variant is a non-conservative amino acid substitution, which is likely to impact secondary protein structure as these residues differ in polarity, charge, size and/or other properties. However, this substitution occurs at a position that is not conserved across species, and Proline is observed at this position in multiple mammalian species in evolution. Additionally, in silico analysis is inconsistent in its predictions as to whether or not the variant is damaging to the protein structure/function. Therefore, based on the currently available information, it is unclear whether this variant is a pathogenic mutation or a rare benign variant. The variant is found in INFANT-EPI panel(s).